The following is an entry in ClinVar:

NM_024809.5(TCTN2):c.1818C>G (p.His606Gln)

Gene: TCTN2 (tectonic family member 2; plus strand). Cytogenetic location: 12q24.31.
Variant type: single nucleotide variant.
Coding change: c.1818C>G on transcript NM_024809.5 (MANE Select); coding-DNA position 1818, C replaced by G.
Protein change: p.His606Gln; replaces histidine 606 with glutamine.
Molecular consequence: missense variant.
Genome position (GRCh38, 1-based): chr12:123,706,774, C>G. VCF-style: chr12-123706774-C-G. GRCh37 (hg19) VCF-style: chr12-124191321-C-G.
Other names: c.1815C>G, p.His605Gln (NM_001143850.3); short protein forms H606Q, H605Q.
Identifiers: ClinVar variation 307559 (VCV000307559.13), dbSNP rs778418417, ClinGen allele CA6861353.

ClinVar aggregate classification (germline): Uncertain significance. Review status: criteria provided, multiple submitters, no conflicts (2 of 4 stars). 5 submissions from 4 submitters: Uncertain significance (4). 1 of the submissions does not count toward it. Last evaluated 2024-08-12.

Conditions:
Joubert syndrome 24 (JBTS24). Identifiers: Orphanet 475, MedGen C4084841, MONDO:0014724, OMIM 616654.
Meckel syndrome, type 8. Identifiers: Orphanet 564, MedGen C3836857, MONDO:0013482, OMIM 613885.
Meckel-Gruber syndrome. Also called: Dysencephalia splachnocystica; DYSENCEPHALIA SPLANCHNOCYSTICA; GRUBER SYNDROME. Identifiers: Orphanet 564, MedGen C0265215, MONDO:0018921.
Joubert syndrome. Also called: Familial aplasia of the vermis; CEREBELLOPARENCHYMAL DISORDER IV; JOUBERT-BOLTSHAUSER SYNDROME. Identifiers: Orphanet 475, MedGen C5979921, MONDO:0018772.
Microcephaly. Also called: Microcephaly (disease). Identifiers: MedGen C4551563, MONDO:0001149, HP:0000252.

Allele frequency attached by ClinVar (database versions not stated): gnomAD 0.00002 and 0.00006; TOPMed 0.00002; gnomAD exomes 0.00008 and 0.00019; ExAC 0.00012.
gnomAD v4.1: 285 of 1,614,054 alleles (0.018%); highest among the groups gnomAD compares: East Asian, 0.63%; 1 homozygote.

Submissions (5):

Labcorp Genetics (formerly Invitae), Labcorp
Classification: Uncertain significance for Joubert syndrome; Meckel-Gruber syndrome. Last evaluated: 2024-08-12. Review status: criteria provided, single submitter. Criteria: Invitae Variant Classification Sherloc (09022015). Collection method: clinical testing. Allele origin: germline.
Comment: This sequence change replaces histidine, which is basic and polar, with glutamine, which is neutral and polar, at codon 606 of the TCTN2 protein (p.His606Gln). This variant is present in population databases (rs778418417, gnomAD 0.1%). This variant has not been reported in the literature in individuals affected with TCTN2-related conditions. ClinVar contains an entry for this variant (Variation ID: 307559). Advanced modeling of protein sequence and biophysical properties (such as structural, functional, and spatial information, amino acid conservation, physicochemical variation, residue mobility, and thermodynamic stability) performed at Invitae indicates that this missense variant is not expected to disrupt TCTN2 protein function with a negative predictive value of 80%. In summary, the available evidence is currently insufficient to determine the role of this variant in disease. Therefore, it has been classified as a Variant of Uncertain Significance.

Department of Pathology and Laboratory Medicine, Sinai Health System
Classification: Uncertain significance for Meckel syndrome, type 8; Joubert syndrome 24. Last evaluated: 2022-06-28. Review status: criteria provided, single submitter. Criteria: ACMG Guidelines, 2015. Collection method: research. Allele origin: germline.

Illumina Laboratory Services, Illumina
Classification: Uncertain significance for Joubert syndrome 24. Last evaluated: 2018-01-13. Review status: criteria provided, single submitter. Criteria: ICSL Variant Classification Criteria 13 December 2019. Collection method: clinical testing. Allele origin: germline.

Illumina Laboratory Services, Illumina
Classification: Uncertain significance for Meckel syndrome, type 8. Last evaluated: 2018-01-13. Review status: criteria provided, single submitter. Criteria: ICSL Variant Classification Criteria 13 December 2019. Collection method: clinical testing. Allele origin: germline.

Department of Pediatrics, Samsung Medical Center, Samsung Medical Center
Classification: Uncertain significance for Microcephaly. Review status: no assertion criteria provided. Criteria: ACMG Guidelines, 2015. Collection method: research. Allele origin: germline. Affected: yes. Not counted in ClinVar's aggregate classification.